The following is an entry in ClinVar:

NM_017950.4(CCDC40):c.1338C>T (p.Leu446=)

Gene: CCDC40 (coiled-coil domain 40 molecular ruler complex subunit; plus strand). Cytogenetic location: 17q25.3.
Variant type: single nucleotide variant.
Coding change: c.1338C>T on transcript NM_017950.4 (MANE Select); coding-DNA position 1338, C replaced by T.
Protein change: p.Leu446=; no amino-acid change (leucine 446 retained).
Molecular consequence: synonymous variant.
Genome position (GRCh38, 1-based): chr17:80,058,878, C>T. VCF-style: chr17-80058878-C-T. GRCh37 (hg19) VCF-style: chr17-78032677-C-T.
Other names: p.Leu446=; c.1338C>T, p.Leu446= (NM_001243342.2, NM_001330508.2).
Identifiers: ClinVar variation 162848 (VCV000162848.25), dbSNP rs61734950, ClinGen allele CA175429.
Genomic context (GRCh38, chr17:80,058,878, plus strand): 5'-GGCACCTCCTGACGGGGCTGCTTCTCATCCTGTTTCCCAGGACCTGTATGTGGACCAGCT[C>T]ACCACTCGAGCCCAGCAACTGGAAGAAGACATTGCCCTGTTTGAGGCTCAGTACTTGGCC-3'
Protein context (NP_060420.2, residues 436-456): KKKQDLYVDQ[Leu446=]TTRAQQLEED

ClinVar aggregate classification (germline): Benign. Review status: criteria provided, multiple submitters, no conflicts (2 of 4 stars). 8 submissions from 8 submitters: Benign (8). Last evaluated 2026-02-01.

Conditions:
Primary ciliary dyskinesia. Also called: Ciliary dyskinesia. Identifiers: Orphanet 244, MedGen C0008780, MONDO:0016575, HP:0012265.
Primary ciliary dyskinesia 15. Also called: CILIARY DYSKINESIA, PRIMARY, 15, WITH OR WITHOUT SITUS INVERSUS. Identifiers: Orphanet 244, MedGen C3151137, MONDO:0013435, OMIM 613808.

Allele frequency attached by ClinVar (database versions not stated): gnomAD exomes 0.00734 and 0.01764; ExAC 0.02095; gnomAD 0.04478 and 0.04617; ESP Exome Variant Server 0.04607; TOPMed 0.04880; 1000 Genomes Project 0.05831; 1000 Genomes Project 30x 0.06137.
gnomAD v4.1: 17,900 of 1,614,056 alleles (1.1%); highest among the groups gnomAD compares: African/African-American, 15%; 1,082 homozygotes.

Submissions (8):

Labcorp Genetics (formerly Invitae), Labcorp
Classification: Benign for Primary ciliary dyskinesia. Last evaluated: 2026-02-01. Review status: criteria provided, single submitter. Criteria: Invitae Variant Classification Sherloc (09022015). Collection method: clinical testing. Allele origin: germline.

Mayo Clinic Laboratories, Mayo Clinic
Classification: Benign. Last evaluated: 2023-03-17. Review status: criteria provided, single submitter. Criteria: ACMG Guidelines, 2015. Collection method: clinical testing. Allele origin: germline. Observed: 5 variant alleles.

GeneDx
Classification: Benign. Last evaluated: 2018-07-09. Review status: criteria provided, single submitter. Criteria: GeneDx Variant Classification Process June 2021. Collection method: clinical testing. Allele origin: germline. Affected: yes.

Illumina Laboratory Services, Illumina
Classification: Benign for Primary ciliary dyskinesia 15. Last evaluated: 2018-01-13. Review status: criteria provided, single submitter. Criteria: ICSL Variant Classification Criteria 13 December 2019. Collection method: clinical testing. Allele origin: germline.
Comment: This variant was observed in the ICSL laboratory as part of a predisposition screen in an ostensibly healthy population. It had not been previously curated by ICSL or reported in the Human Gene Mutation Database (HGMD: prior to June 1st, 2018), and was therefore a candidate for classification through an automated scoring system. Utilizing variant allele frequency, disease prevalence and penetrance estimates, and inheritance mode, an automated score was calculated to assess if this variant is too frequent to cause the disease. Based on the score and internal cut-off values, a variant classified as benign is not then subjected to further curation. The score for this variant resulted in a classification of benign for this disease.

Ambry Genetics
Classification: Benign for Primary ciliary dyskinesia. Last evaluated: 2016-09-30. Review status: criteria provided, single submitter. Criteria: Ambry Variant Classification Scheme 2023. Collection method: clinical testing. Allele origin: germline.

Laboratory for Molecular Medicine, Mass General Brigham Personalized Medicine
Classification: Benign. Last evaluated: 2013-02-21. Review status: criteria provided, single submitter. Criteria: LMM Criteria. Collection method: clinical testing. Allele origin: germline. Observed: 5 variant alleles.
Comment: Leu446Leu in exon 9 of CCDC40: This variant is not expected to have clinical sig nificance because it does not alter an amino acid residue and is not located wit hin the splice consensus sequence. It has been identified in 13.8% (578/4178) of African American chromosomes from a broad population by the NHLBI Exome Sequenc ing Project (dbSNP rs61734950).

Breakthrough Genomics
Classification: Benign. Review status: criteria provided, single submitter. Criteria: ACMG Guidelines, 2015. Collection method: not provided. Allele origin: germline. Inheritance: Autosomal recessive inheritance. Affected: yes.

PreventionGenetics, part of Exact Sciences
Classification: Benign. Review status: criteria provided, single submitter. Criteria: ACMG Guidelines, 2015. Collection method: clinical testing. Allele origin: germline.